The following is an entry in ClinVar:

ClinVar aggregate classification (germline): Conflicting classifications of pathogenicity. Review status: criteria provided, conflicting classifications (1 of 4 stars). 8 submissions from 6 submitters: Uncertain significance (1); Benign (3); Likely benign (3). 1 of the submissions does not count toward it. Last evaluated 2025-10-23.

Conditions:
PPARG-related disorder. Also called: PPARG-related condition; PPARG-related disorders.
Obesity. Also called: Obesity disorder. Identifiers: Orphanet 71529, MedGen C0028754, MeSH D009765, MONDO:0011122, HP:0001513.
PPARG-related familial partial lipodystrophy. Also called: LIPODYSTROPHY, FAMILIAL PARTIAL, ASSOCIATED WITH PPARG MUTATIONS. Identifiers: Orphanet 79083, MedGen C1720861, MONDO:0011448, OMIM 604367.
INSULIN RESISTANCE, DIGENIC. Identifiers: MedGen C4016738.

Allele frequency attached by ClinVar (database versions not stated): 1000 Genomes Project 0.00060; 1000 Genomes Project 30x 0.00062; TOPMed 0.00138; gnomAD 0.00151 and 0.00154; ExAC 0.00156; gnomAD exomes 0.00169 and 0.00175; ESP Exome Variant Server 0.00185.
gnomAD v4.1: 2,825 of 1,613,904 alleles (0.18%); highest among the groups gnomAD compares: Middle Eastern, 0.38%; 7 homozygotes.

Submissions (8):

Labcorp Genetics (formerly Invitae), Labcorp
Classification: Benign. Last evaluated: 2025-10-23. Review status: criteria provided, single submitter. Criteria: Invitae Variant Classification Sherloc (09022015). Collection method: clinical testing. Allele origin: germline.

Mayo Clinic Laboratories, Mayo Clinic
Classification: Benign. Last evaluated: 2025-04-14. Review status: criteria provided, single submitter. Criteria: ACMG Guidelines, 2015. Collection method: clinical testing. Allele origin: germline. Observed: 1 variant allele.
Comment: BA1, BP4, BP7

Blueprint Genetics
Classification: Likely benign. Last evaluated: 2024-11-26. Review status: criteria provided, single submitter. Criteria: ACMG Guidelines, 2015. Collection method: clinical testing. Allele origin: germline.

CeGaT Center for Human Genetics Tuebingen
Classification: Likely benign. Last evaluated: 2022-10-01. Review status: criteria provided, single submitter. Criteria: CeGaT Center For Human Genetics Tuebingen Variant Classification Criteria Version 2. Collection method: clinical testing. Allele origin: germline. Affected: yes. Observed: 1 variant allele.
Comment: PPARG: BP4, BS2

Illumina Laboratory Services, Illumina
Classification: Likely benign for Inherited obesity. Last evaluated: 2018-01-12. Review status: criteria provided, single submitter. Criteria: ICSL Variant Classification Criteria 13 December 2019. Collection method: clinical testing. Allele origin: germline.
Comment: This variant was observed in the ICSL laboratory as part of a predisposition screen in an ostensibly healthy population. It had not been previously curated by ICSL or reported in the Human Gene Mutation Database (HGMD: prior to June 1st, 2018), and was therefore a candidate for classification through an automated scoring system. Utilizing variant allele frequency, disease prevalence and penetrance estimates, and inheritance mode, an automated score was calculated to assess if this variant is too frequent to cause the disease. Based on the score and internal cut-off values, a variant classified as likely benign is not then subjected to further curation. The score for this variant resulted in a classification of likely benign for this disease.

Illumina Laboratory Services, Illumina
Classification: Uncertain significance for Diabetes Mellitus, Noninsulin-Dependent, with Acanthosis Nigricans and Hypertension. Last evaluated: 2018-01-12. Review status: criteria provided, single submitter. Criteria: ICSL Variant Classification Criteria 13 December 2019. Collection method: clinical testing. Allele origin: germline.

Illumina Laboratory Services, Illumina
Classification: Benign for PPARG-related familial partial lipodystrophy. Last evaluated: 2018-01-12. Review status: criteria provided, single submitter. Criteria: ICSL Variant Classification Criteria 13 December 2019. Collection method: clinical testing. Allele origin: germline.
Comment: This variant was observed in the ICSL laboratory as part of a predisposition screen in an ostensibly healthy population. It had not been previously curated by ICSL or reported in the Human Gene Mutation Database (HGMD: prior to June 1st, 2018), and was therefore a candidate for classification through an automated scoring system. Utilizing variant allele frequency, disease prevalence and penetrance estimates, and inheritance mode, an automated score was calculated to assess if this variant is too frequent to cause the disease. Based on the score and internal cut-off values, a variant classified as benign is not then subjected to further curation. The score for this variant resulted in a classification of benign for this disease.

PreventionGenetics, part of Exact Sciences
Classification: Benign for PPARG-related condition. Last evaluated: 2021-11-01. Review status: no assertion criteria provided. Collection method: clinical testing. Allele origin: germline. Not counted in ClinVar's aggregate classification.
Comment: This variant is classified as benign based on ACMG/AMP sequence variant interpretation guidelines (Richards et al. 2015 PMID: 25741868, with internal and published modifications).

Literature cited by the submitters: PubMed 36325899 (cited by Mayo Clinic Laboratories, Mayo Clinic).

NM_138711.6(PPARG):c.150C>T (p.Asp50=)

Gene: PPARG (peroxisome proliferator activated receptor gamma; plus strand). Cytogenetic location: 3p25.2.
Variant type: single nucleotide variant.
Coding change: c.150C>T on transcript NM_138711.6 (MANE Select); coding-DNA position 150, C replaced by T.
Protein change: p.Asp50=; no amino-acid change (aspartic acid 50 retained).
Molecular consequence: synonymous variant. On other transcripts: 5 prime UTR variant (1).
Genome position (GRCh38, 1-based): chr3:12,379,861, C>T. VCF-style: chr3-12379861-C-T. GRCh37 (hg19) VCF-style: chr3-12421360-C-T.
Other names: p.Asp80=; c.150C>T, p.Asp50= (NM_001330615.4, NM_001354666.3, NM_001354667.3 and 6 more transcripts); c.240C>T, p.Asp80= (NM_001354668.2, NM_001374265.1, NM_015869.5); c.-278C>T (NM_001354669.2); c.156C>T, p.Asp52= (NM_001354670.2, NM_001374266.1).
Identifiers: ClinVar variation 342920 (VCV000342920.42), dbSNP rs112174008, ClinGen allele CA2258107.